The following is an entry in ClinVar:

NM_004260.4(RECQL4):c.3214_3215insC (p.Arg1072fs)

Gene: RECQL4 (RecQ like helicase 4; minus strand). Cytogenetic location: 8q24.3.
Variant type: Insertion.
Coding change: c.3214_3215insC on transcript NM_004260.4 (MANE Select); coding-DNA positions 3214 to 3215, C inserted.
Protein change: p.Arg1072fs; shifts the reading frame from arginine 1072.
Molecular consequence: frameshift variant.
Genome position: GRCh38 VCF-style: chr8-144512165-C-CG. GRCh37 (hg19) VCF-style: chr8-145737548-C-CG.
Other names: short protein forms R1072fs.
Identifiers: ClinVar variation 946112 (VCV000946112.6), dbSNP rs1827352302, ClinGen allele CA1139660820.

ClinVar aggregate classification (germline): Pathogenic (1 of 4 stars; one submission).

Conditions:
Baller-Gerold syndrome (BGS). Also called: CRANIOSYNOSTOSIS WITH RADIAL DEFECTS. Identifiers: Orphanet 1225, MedGen C0265308, MONDO:0009039, OMIM 218600.

Submission:

Labcorp Genetics (formerly Invitae), Labcorp
Classification: Pathogenic for Baller-Gerold syndrome. Last evaluated: 2019-04-08. Review status: criteria provided, single submitter. Criteria: Invitae Variant Classification Sherloc (09022015). Collection method: clinical testing. Allele origin: germline.
Comment: This variant has not been reported in the literature in individuals with RECQL4-related conditions. Loss-of-function variants in RECQL4 are known to be pathogenic (PMID: 12734318, 12952869). For these reasons, this variant has been classified as Pathogenic. This variant is not present in population databases (ExAC no frequency). This sequence change creates a premature translational stop signal (p.Arg1072Thrfs*23) in the RECQL4 gene. It is expected to result in an absent or disrupted protein product.

Literature cited by the submitters: PubMed 12734318; PubMed 12952869.